The following is an entry in ClinVar:

ClinVar aggregate classification (germline): Likely pathogenic (1 of 4 stars; one submission).

Conditions:
Retinitis pigmentosa (RP). Identifiers: Orphanet 791, MedGen C0035334, MeSH D012174, MONDO:0019200, OMIM 268000. Inheritance: Autosomal dominant, autosomal recessive and X linked inheritance.

Submission:

Ophthalmic Genetics Group, Institute of Molecular and Clinical Ophthalmology Basel
Classification: Likely pathogenic for Retinitis pigmentosa. Last evaluated: 2023-07-24. Review status: criteria provided, single submitter. Criteria: ACMG Guidelines, 2015. Collection method: research. Allele origin: germline. Affected: yes. Observed: 1 variant allele.
Comment: Clinical significance based on ACMG v2.0

This variant was classified as Likely pathogenic based on ACMG criteria: PVS1, PM2.

Literature cited by the submitters: PubMed 36909829.

NM_000440.3(PDE6A):c.2327del (p.Phe776fs)

Gene: PDE6A (phosphodiesterase 6A; minus strand). Cytogenetic location: 5q32.
Variant type: Deletion.
Coding change: c.2327del on transcript NM_000440.3 (MANE Select); coding-DNA position 2327, one base deleted (T; older notation c.2327delT).
Protein change: p.Phe776fs; shifts the reading frame from phenylalanine 776.
Molecular consequence: frameshift variant.
Genome position (GRCh38, 1-based): chr5:149,866,201, A deleted on the plus strand (T on the coding strand, the reverse complement: PDE6A is on the minus strand); the first of 2 consecutive A bases (chr5:149,866,201-149,866,202); deleting either gives the same sequence. VCF-style (leftmost placement, unchanged base first): chr5-149866200-GA-G. GRCh37 (hg19) VCF-style: chr5-149245763-GA-G.
Other names: NC_000005.9:g.149866201del; NP_000431.2:p.(Phe776SerfsTer45); c.2084del, p.Phe695fs (NM_001410788.1); short protein forms F695fs, F776fs.
Identifiers: ClinVar variation 2577523 (VCV002577523.2), dbSNP rs2480433988, ClinGen allele CA2580617445.
Genomic context (GRCh38, chr5:149,866,200, plus strand): 5'-TTGTTGCGGCTGAGGAAGCCAAGGGCCTACCTTGTAGACGAAGGTGCAAACAAAGTCAAT[GA>G]AGCCGACTTGAAGCTTAGGGAGTTCATCTGCTTTGTTTCTGTCCATCATGGGCTGTCATG-3'